The following is an entry in ClinVar:

NM_004984.4(KIF5A):c.526A>G (p.Ser176Gly)

Gene: KIF5A (kinesin family member 5A; plus strand). Cytogenetic location: 12q13.3.
Variant type: single nucleotide variant.
Coding change: c.526A>G on transcript NM_004984.4 (MANE Select); coding-DNA position 526, A replaced by G.
Protein change: p.Ser176Gly; replaces serine 176 with glycine.
Molecular consequence: missense variant.
Genome position (GRCh38, 1-based): chr12:57,567,150, A>G. VCF-style: chr12-57567150-A-G. GRCh37 (hg19) VCF-style: chr12-57960933-A-G.
Other names: c.259A>G, p.Ser87Gly (NM_001354705.2); short protein forms S176G, S87G.
Identifiers: ClinVar variation 2662765 (VCV002662765.1), dbSNP rs1392363068, ClinGen allele CA385497657.

ClinVar aggregate classification (germline): Uncertain significance (1 of 4 stars; one submission).

Allele frequency attached by ClinVar (database versions not stated): TOPMed below 0.00001; gnomAD 0.00001.
gnomAD v4.1: 1 of 1,613,044 alleles (0.000062%); highest among the groups gnomAD compares: Non-Finnish European, 0.000085%; no homozygotes.

Submission:

GeneDx
Classification: Uncertain significance. Last evaluated: 2023-04-04. Review status: criteria provided, single submitter. Criteria: GeneDx Variant Classification Process June 2021. Collection method: clinical testing. Allele origin: germline. Affected: yes.
Comment: Not observed at significant frequency in large population cohorts (gnomAD); In silico analysis supports that this missense variant has a deleterious effect on protein structure/function; Has not been previously published as pathogenic or benign to our knowledge